The following is an entry in ClinVar:

NM_138459.5(NUS1):c.208C>G (p.Arg70Gly)

Gene: NUS1 (NUS1 dehydrodolichyl diphosphate synthase subunit; plus strand). Cytogenetic location: 6q22.1.
Variant type: single nucleotide variant.
Coding change: c.208C>G on transcript NM_138459.5 (MANE Select); coding-DNA position 208, C replaced by G.
Protein change: p.Arg70Gly; replaces arginine 70 with glycine.
Molecular consequence: missense variant.
Genome position (GRCh38, 1-based): chr6:117,675,878, C>G. VCF-style: chr6-117675878-C-G. GRCh37 (hg19) VCF-style: chr6-117997041-C-G.
Other names: short protein forms R70G.
Identifiers: ClinVar variation 4707136 (VCV004707136.1).

ClinVar aggregate classification (germline): Uncertain significance (1 of 4 stars; one submission).

Conditions:
Congenital disorder of glycosylation, type Iaa. Also called: Congenital disorder of glycosylation, type 1aa. Identifiers: MedGen C4310727, MONDO:0014904, OMIM 617082.

Submission:

Labcorp Genetics (formerly Invitae), Labcorp
Classification: Uncertain significance for Congenital disorder of glycosylation, type Iaa. Last evaluated: 2025-04-17. Review status: criteria provided, single submitter. Criteria: Invitae Variant Classification Sherloc (09022015). Collection method: clinical testing. Allele origin: germline.
Comment: This sequence change replaces arginine, which is basic and polar, with glycine, which is neutral and non-polar, at codon 70 of the NUS1 protein (p.Arg70Gly). This variant is not present in population databases (gnomAD no frequency). This variant has not been reported in the literature in individuals affected with NUS1-related conditions. An algorithm developed to predict the effect of missense changes on protein structure and function (PolyPhen-2) suggests that this variant is likely to be tolerated. In summary, the available evidence is currently insufficient to determine the role of this variant in disease. Therefore, it has been classified as a Variant of Uncertain Significance.